The following is an entry in ClinVar:

ClinVar aggregate classification (germline): Uncertain significance (1 of 4 stars; one submission).

Conditions:
Bethlem myopathy 1A. Also called: Bethlem Muscular Dystrophy; MYOPATHY, BENIGN CONGENITAL, WITH CONTRACTURES; Bethlem myopathy 1. Identifiers: Orphanet 610, MedGen CN029274, MONDO:0024530, OMIM 158810.

Allele frequency attached by ClinVar (database versions not stated): ExAC 0.00001; TOPMed 0.00002.

Submission:

Labcorp Genetics (formerly Invitae), Labcorp
Classification: Uncertain significance for Bethlem myopathy 1A. Last evaluated: 2025-10-21. Review status: criteria provided, single submitter. Criteria: Invitae Variant Classification Sherloc (09022015). Collection method: clinical testing. Allele origin: germline.
Comment: This sequence change replaces proline, which is neutral and non-polar, with leucine, which is neutral and non-polar, at codon 423 of the COL6A2 protein (p.Pro423Leu). This variant is present in population databases (rs761030439, gnomAD 0.006%). This variant has not been reported in the literature in individuals affected with COL6A2-related conditions. ClinVar contains an entry for this variant (Variation ID: 1034947). An algorithm developed to predict the effect of missense changes on protein structure and function (PolyPhen-2) suggests that this variant is likely to be tolerated. In summary, the available evidence is currently insufficient to determine the role of this variant in disease. Therefore, it has been classified as a Variant of Uncertain Significance.

NM_001849.4(COL6A2):c.1268C>T (p.Pro423Leu)

Gene: COL6A2 (collagen type VI alpha 2 chain; plus strand). Cytogenetic location: 21q22.3.
Variant type: single nucleotide variant.
Coding change: c.1268C>T on transcript NM_001849.4 (MANE Select); coding-DNA position 1268, C replaced by T.
Protein change: p.Pro423Leu; replaces proline 423 with leucine.
Molecular consequence: missense variant.
Genome position (GRCh38, 1-based): chr21:46,119,118, C>T. VCF-style: chr21-46119118-C-T. GRCh37 (hg19) VCF-style: chr21-47539032-C-T.
Other names: c.1268C>T, p.Pro423Leu (NM_058174.3, NM_058175.3); short protein forms P423L.
Identifiers: ClinVar variation 1034947 (VCV001034947.7), dbSNP rs761030439, ClinGen allele CA10071789.